The following is an entry in ClinVar:

NM_004304.5(ALK):c.862T>G (p.Trp288Gly)

Gene: ALK (ALK receptor tyrosine kinase; minus strand). Cytogenetic location: 2p23.2.
Variant type: single nucleotide variant.
Coding change: c.862T>G on transcript NM_004304.5 (MANE Select); coding-DNA position 862, T replaced by G.
Protein change: p.Trp288Gly; replaces tryptophan 288 with glycine.
Molecular consequence: missense variant.
Genome position (GRCh38, 1-based): chr2:29,694,940, A>C on the plus strand (T>G on the coding strand, the complement: ALK is on the minus strand). VCF-style: chr2-29694940-A-C. GRCh37 (hg19) VCF-style: chr2-29917806-A-C.
Other names: c.862T>G (NM_004304.4); short protein forms W288G.
Identifiers: ClinVar variation 2418236 (VCV002418236.9), dbSNP rs2148289860, ClinGen allele CA346586984.

ClinVar aggregate classification (germline): Uncertain significance. Review status: criteria provided, multiple submitters, no conflicts (2 of 4 stars). 2 submissions from 2 submitters: Uncertain significance (2). Last evaluated 2025-01-14.

Conditions:
Hereditary cancer-predisposing syndrome. Also called: Hereditary neoplastic syndrome; Tumor predisposition; Neoplastic Syndromes, Hereditary; Hereditary Cancer Syndrome. Identifiers: Orphanet 140162, MedGen C0027672, MeSH D009386, MONDO:0015356.
Neuroblastoma, susceptibility to, 3. Also called: ALK-Related Neuroblastic Tumor Susceptibility. Identifiers: Orphanet 635, MedGen C2751681, MONDO:0013083, OMIM 613014.

Submissions (2):

Labcorp Genetics (formerly Invitae), Labcorp
Classification: Uncertain significance for Neuroblastoma, susceptibility to, 3. Last evaluated: 2025-01-14. Review status: criteria provided, single submitter. Criteria: Invitae Variant Classification Sherloc (09022015). Collection method: clinical testing. Allele origin: germline.
Comment: This sequence change replaces tryptophan, which is neutral and slightly polar, with glycine, which is neutral and non-polar, at codon 288 of the ALK protein (p.Trp288Gly). This variant is not present in population databases (gnomAD no frequency). This variant has not been reported in the literature in individuals affected with ALK-related conditions. ClinVar contains an entry for this variant (Variation ID: 2418236). An algorithm developed to predict the effect of missense changes on protein structure and function (PolyPhen-2) suggests that this variant is likely to be tolerated. In summary, the available evidence is currently insufficient to determine the role of this variant in disease. Therefore, it has been classified as a Variant of Uncertain Significance.

Ambry Genetics
Classification: Uncertain significance for Hereditary cancer-predisposing syndrome. Last evaluated: 2023-04-03. Review status: criteria provided, single submitter. Criteria: Ambry Variant Classification Scheme 2023. Collection method: clinical testing. Allele origin: germline.
Comment: The p.W288G variant (also known as c.862T>G), located in coding exon 3 of the ALK gene, results from a T to G substitution at nucleotide position 862. The tryptophan at codon 288 is replaced by glycine, an amino acid with highly dissimilar properties. This amino acid position is conserved. In addition, the in silico prediction for this alteration is inconclusive. Since supporting evidence is limited at this time, the clinical significance of this alteration remains unclear.